The following is an entry in ClinVar:

ClinVar aggregate classification (germline): Likely benign. Review status: criteria provided, multiple submitters, no conflicts (2 of 4 stars). 2 submissions from 2 submitters: Likely benign (2). Last evaluated 2025-12-10.

Conditions:
A2ML1-related disorder. Also called: A2ML1-related condition.

Allele frequency attached by ClinVar (database versions not stated): TOPMed 0.00001; gnomAD 0.00003.

Submissions (2):

PreventionGenetics, part of Exact Sciences
Classification: Likely benign for A2ML1-related condition. Last evaluated: 2025-12-10. Review status: criteria provided, single submitter. Criteria: ACMG Guidelines, 2015. Collection method: clinical testing. Allele origin: germline.
Comment: This variant is classified as likely benign based on ACMG/AMP sequence variant interpretation guidelines (Richards et al. 2015 PMID: 25741868, with internal and published modifications).

Labcorp Genetics (formerly Invitae), Labcorp
Classification: Likely benign. Last evaluated: 2023-11-21. Review status: criteria provided, single submitter. Criteria: Invitae Variant Classification Sherloc (09022015). Collection method: clinical testing. Allele origin: germline.

NM_144670.6(A2ML1):c.1137G>A (p.Val379=)

Gene: A2ML1 (alpha-2-macroglobulin like 1; plus strand). Cytogenetic location: 12p13.31.
Variant type: single nucleotide variant.
Coding change: c.1137G>A on transcript NM_144670.6 (MANE Select); coding-DNA position 1137, G replaced by A.
Protein change: p.Val379=; no amino-acid change (valine 379 retained).
Molecular consequence: synonymous variant.
Genome position (GRCh38, 1-based): chr12:8,841,425, G>A. VCF-style: chr12-8841425-G-A. GRCh37 (hg19) VCF-style: chr12-8994021-G-A.
Other names: c.1137G>A (NM_144670.5).
Identifiers: ClinVar variation 2899372 (VCV002899372.4), dbSNP rs1293713181, ClinGen allele CA478301475.